The following is an entry in ClinVar:

NM_024312.5(GNPTAB):c.1932A>G (p.Thr644=)

Gene: GNPTAB (N-acetylglucosamine-1-phosphate transferase subunits alpha and beta; minus strand). Cytogenetic location: 12q23.2.
Variant type: single nucleotide variant.
Coding change: c.1932A>G on transcript NM_024312.5 (MANE Select); coding-DNA position 1932, A replaced by G.
Protein change: p.Thr644=; no amino-acid change (threonine 644 retained).
Molecular consequence: synonymous variant.
Genome position (GRCh38, 1-based): chr12:101,764,985, T>C on the plus strand (A>G on the coding strand, the complement: GNPTAB is on the minus strand). VCF-style: chr12-101764985-T-C. GRCh37 (hg19) VCF-style: chr12-102158763-T-C.
Identifiers: ClinVar variation 96119 (VCV000096119.28), dbSNP rs10778148, ClinGen allele CA149254.
Genomic context (GRCh38, chr12:101,764,985, plus strand): 5'-GATTTCCGCCTCTGGAAGAAGTGTTATGGGACTAACTAAATTTTCGTAACCCTTCTGGGC[T>C]GTAGAATTCAGTTTTGGTCCCTCCCTTGTGTCCACCTCCACTGTTATCTGCATTTTGAAC-3'
Protein context (NP_077288.2, residues 634-654): DTREGPKLNS[Thr644=]AQKGYENLVS

ClinVar aggregate classification (germline): Benign. Review status: criteria provided, multiple submitters, no conflicts (2 of 4 stars). 14 submissions from 12 submitters: Benign (10). 4 of the submissions do not count toward it. Last evaluated 2026-02-04.

Conditions:
Mucolipidosis type II. Also called: Mucolipidosis II Alpha/Beta; ML II ALPHA/BETA; Mucolipidosis 2; ML 2; Inclusion cell disease; Leroy Disease. Identifiers: Orphanet 576, MedGen C2673377, MONDO:0009650, OMIM 252500.
Pseudo-Hurler polydystrophy. Also called: MUCOLIPIDOSIS IIIA; ML III; ML III ALPHA/BETA; Type III Mucolipidosis; ML IIIA; Mucolipidosis III Alpha/Beta. Identifiers: Orphanet 423461, Orphanet 577, MedGen C0033788, MONDO:0018931, OMIM 252600.

Allele frequency attached by ClinVar (database versions not stated): gnomAD exomes 0.54245; gnomAD 0.58708; ESP Exome Variant Server 0.56251; ExAC 0.58851; TOPMed 0.58017; 1000 Genomes Project 30x 0.64210; 1000 Genomes Project 0.65136.
gnomAD v4.1: 883,413 of 1,613,608 alleles (55%); highest among the groups gnomAD compares: East Asian, 89%; 246,506 homozygotes.

Submissions (14):

Labcorp Genetics (formerly Invitae), Labcorp
Classification: Benign for Pseudo-Hurler polydystrophy; Mucolipidosis type II. Last evaluated: 2026-02-04. Review status: criteria provided, single submitter. Criteria: Invitae Variant Classification Sherloc (09022015). Collection method: clinical testing. Allele origin: germline.

Genome-Nilou Lab
Classification: Benign for Pseudo-Hurler polydystrophy. Last evaluated: 2021-07-01. Review status: criteria provided, single submitter. Criteria: ACMG Guidelines, 2015. Collection method: clinical testing. Allele origin: germline. Affected: no.

Genome-Nilou Lab
Classification: Benign for Mucolipidosis type II. Last evaluated: 2021-07-01. Review status: criteria provided, single submitter. Criteria: ACMG Guidelines, 2015. Collection method: clinical testing. Allele origin: germline. Affected: no.

GeneDx
Classification: Benign. Last evaluated: 2018-06-13. Review status: criteria provided, single submitter. Criteria: GeneDx Variant Classification (06012015). Collection method: clinical testing. Allele origin: germline. Affected: yes.
Comment: This variant is considered likely benign or benign based on one or more of the following criteria: it is a conservative change, it occurs at a poorly conserved position in the protein, it is predicted to be benign by multiple in silico algorithms, and/or has population frequency not consistent with disease.

Illumina Laboratory Services, Illumina
Classification: Benign for Mucolipidosis type II. Last evaluated: 2018-01-12. Review status: criteria provided, single submitter. Criteria: ICSL Variant Classification Criteria 13 December 2019. Collection method: clinical testing. Allele origin: germline.
Comment: This variant was observed in the ICSL laboratory as part of a predisposition screen in an ostensibly healthy population. It had not been previously curated by ICSL or reported in the Human Gene Mutation Database (HGMD: prior to June 1st, 2018), and was therefore a candidate for classification through an automated scoring system. Utilizing variant allele frequency, disease prevalence and penetrance estimates, and inheritance mode, an automated score was calculated to assess if this variant is too frequent to cause the disease. Based on the score and internal cut-off values, a variant classified as benign is not then subjected to further curation. The score for this variant resulted in a classification of benign for this disease.

Illumina Laboratory Services, Illumina
Classification: Benign for Pseudo-Hurler polydystrophy. Last evaluated: 2018-01-12. Review status: criteria provided, single submitter. Criteria: ICSL Variant Classification Criteria 13 December 2019. Collection method: clinical testing. Allele origin: germline.
Comment: the same text as in the submission from Illumina Laboratory Services, Illumina above.

Women's Health and Genetics/Laboratory Corporation of America, LabCorp
Classification: Benign. Last evaluated: 2016-10-10. Review status: criteria provided, single submitter. Criteria: LabCorp Variant Classification Summary - May 2015. Collection method: clinical testing. Allele origin: germline.
Comment: Variant summary: The GNPTAB c.1932A>G (p.Thr644Thr) variant involves the alteration of a non-conserved nucleotide, resulting in a synonymous change. One in silico tool predicts a polymorphism outcome for this variant. 5/5 splice prediction tools predict no significant impact on normal splicing. This variant was found in 71424/121364 control chromosomes (21589 homozygotes) at a frequency of 0.5885106, indicating it is the major allele and a benign polymorphism. Multiple clinical labs have classified the variant as benign. Due to the high population frequency of this vairant, it has been classified as benign.

Eurofins Ntd Llc (ga)
Classification: Benign. Last evaluated: 2014-05-20. Review status: criteria provided, single submitter. Criteria: EGL Classification Definitions 2015. Collection method: clinical testing. Allele origin: germline. Observed: 84 variant alleles, 46 heterozygotes, 38 homozygotes.

Breakthrough Genomics
Classification: Benign. Review status: criteria provided, single submitter. Criteria: ACMG Guidelines, 2015. Collection method: not provided. Allele origin: germline. Inheritance: Autosomal recessive inheritance. Affected: yes.

PreventionGenetics, part of Exact Sciences
Classification: Benign. Review status: criteria provided, single submitter. Criteria: ACMG Guidelines, 2015. Collection method: clinical testing. Allele origin: germline.

Natera, Inc.
Classification: Benign for Mucolipidosis type II. Last evaluated: 2020-09-16. Review status: no assertion criteria provided. Collection method: clinical testing. Allele origin: germline. Not counted in ClinVar's aggregate classification.

Mayo Clinic Laboratories, Mayo Clinic
Classification: Benign. Last evaluated: 2017-05-16. Review status: no assertion criteria provided. Collection method: clinical testing. Allele origin: unknown. Not counted in ClinVar's aggregate classification.

Clinical Genetics DNA and cytogenetics Diagnostics Lab, Erasmus MC, Erasmus Medical Center
Classification: Benign. Review status: no assertion criteria provided. Collection method: clinical testing. Allele origin: germline. Affected: yes. Study: VKGL Data-share Consensus. Not counted in ClinVar's aggregate classification.

Diagnostic Laboratory, Department of Genetics, University Medical Center Groningen
Classification: Benign. Review status: no assertion criteria provided. Collection method: clinical testing. Allele origin: germline. Affected: yes. Study: VKGL Data-share Consensus. Not counted in ClinVar's aggregate classification.